The following is an entry in ClinVar:

ClinVar aggregate classification (germline): Benign/Likely benign. Review status: criteria provided, multiple submitters, no conflicts (2 of 4 stars). 10 submissions from 10 submitters: Benign (9); Likely benign (1). Last evaluated 2026-02-04.

Conditions:
Netherton syndrome (NETH). Also called: NETHERTON DISEASE; ERYTHRODERMA, ICHTHYOSIFORM, WITH HYPOTRICHOSIS AND HYPER-IgE; COMEL-NETHERTON SYNDROME. Identifiers: Orphanet 634, MedGen C5574950, MONDO:0009735, OMIM 256500.
Ichthyosis linearis circumflexa. Identifiers: MedGen C0265962, MONDO:0043106, HP:0025810.

Allele frequency attached by ClinVar (database versions not stated): 1000 Genomes Project 30x 0.48829; 1000 Genomes Project 0.48842; TOPMed 0.53618; gnomAD 0.54171 and 0.54215; ESP Exome Variant Server 0.54176; ExAC 0.58302; gnomAD exomes 0.59378 and 0.60738.
gnomAD v4.1: 968,849 of 1,613,600 alleles (60%); highest among the groups gnomAD compares: Admixed American, 70%; 295,948 homozygotes.

Submissions (10):

Labcorp Genetics (formerly Invitae), Labcorp
Classification: Benign for Ichthyosis linearis circumflexa. Last evaluated: 2026-02-04. Review status: criteria provided, single submitter. Criteria: Invitae Variant Classification Sherloc (09022015). Collection method: clinical testing. Allele origin: germline.

Women's Health and Genetics/Laboratory Corporation of America, LabCorp
Classification: Benign. Last evaluated: 2026-01-08. Review status: criteria provided, single submitter. Criteria: LabCorp Variant Classification Summary - May 2015. Collection method: clinical testing. Allele origin: germline.

Blueprint Genetics
Classification: Likely benign. Last evaluated: 2024-11-26. Review status: criteria provided, single submitter. Criteria: ACMG Guidelines, 2015. Collection method: clinical testing. Allele origin: germline.

Unidad de Genómica Garrahan, Hospital de Pediatría Garrahan
Classification: Benign. Last evaluated: 2024-01-24. Review status: criteria provided, single submitter. Criteria: ACMG Guidelines, 2015. Collection method: clinical testing. Allele origin: germline. Affected: no. Observed: 80 variant alleles.
Comment: This variant is classified as Benign based on local population frequency. This variant was detected in 91% of patients studied by a panel of primary immunodeficiencies. Number of patients: 80. Only high quality variants are reported.

Genome-Nilou Lab
Classification: Benign for Netherton syndrome. Last evaluated: 2021-07-15. Review status: criteria provided, single submitter. Criteria: ACMG Guidelines, 2015. Collection method: clinical testing. Allele origin: germline. Affected: no.

Mayo Clinic Laboratories, Mayo Clinic
Classification: Benign. Last evaluated: 2018-06-05. Review status: criteria provided, single submitter. Criteria: ACMG Guidelines, 2015. Collection method: clinical testing. Allele origin: germline. Observed: 108 variant alleles.

Illumina Laboratory Services, Illumina
Classification: Benign for Netherton syndrome. Last evaluated: 2018-01-13. Review status: criteria provided, single submitter. Criteria: ICSL Variant Classification Criteria 13 December 2019. Collection method: clinical testing. Allele origin: germline.
Comment: This variant was observed in the ICSL laboratory as part of a predisposition screen in an ostensibly healthy population. It had not been previously curated by ICSL or reported in the Human Gene Mutation Database (HGMD: prior to June 1st, 2018), and was therefore a candidate for classification through an automated scoring system. Utilizing variant allele frequency, disease prevalence and penetrance estimates, and inheritance mode, an automated score was calculated to assess if this variant is too frequent to cause the disease. Based on the score and internal cut-off values, a variant classified as benign is not then subjected to further curation. The score for this variant resulted in a classification of benign for this disease.

Laboratory for Molecular Medicine, Mass General Brigham Personalized Medicine
Classification: Benign. Last evaluated: 2016-03-28. Review status: criteria provided, single submitter. Criteria: LMM Criteria. Collection method: clinical testing. Allele origin: germline.
Comment: Variant identified in a genome or exome case(s) and assessed due to predicted null impact of the variant or pathogenic assertions in the literature or databases. Disclaimer: This variant has not undergone full assessment. The following are preliminary notes: Frequency

GeneDx
Classification: Benign. Last evaluated: 2015-03-03. Review status: criteria provided, single submitter. Criteria: GeneDx Variant Classification Process June 2021. Collection method: clinical testing. Allele origin: germline. Affected: yes.

PreventionGenetics, part of Exact Sciences
Classification: Benign. Review status: criteria provided, single submitter. Criteria: ACMG Guidelines, 2015. Collection method: clinical testing. Allele origin: germline.

NM_006846.4(SPINK5):c.2132G>A (p.Arg711Gln)

Gene: SPINK5 (serine peptidase inhibitor Kazal type 5; plus strand). Cytogenetic location: 5q32.
Variant type: single nucleotide variant.
Coding change: c.2132G>A on transcript NM_006846.4 (MANE Select); coding-DNA position 2132, G replaced by A.
Protein change: p.Arg711Gln; replaces arginine 711 with glutamine.
Molecular consequence: missense variant.
Genome position (GRCh38, 1-based): chr5:148,118,456, G>A. VCF-style: chr5-148118456-G-A. GRCh37 (hg19) VCF-style: chr5-147498019-G-A.
Other names: c.2132G>A, p.Arg711Gln (NM_001127698.2, NM_001127699.2); short protein forms R711Q.
Identifiers: ClinVar variation 260049 (VCV000260049.27), dbSNP rs3777134, ClinGen allele CA3495877.